The following is an entry in ClinVar:

ClinVar aggregate classification (germline): Uncertain significance. Review status: criteria provided, multiple submitters, no conflicts (2 of 4 stars). 2 submissions from 2 submitters: Uncertain significance (2). Last evaluated 2025-11-12.

Conditions:
Inborn genetic diseases. Identifiers: MedGen C0950123, MeSH D030342.

Allele frequency attached by ClinVar (database versions not stated): gnomAD 0.00003 and 0.00006; ExAC 0.00011; 1000 Genomes Project 0.00020; gnomAD exomes 0.00010; 1000 Genomes Project 30x 0.00031; TOPMed 0.00003.
gnomAD v4.1: 157 of 1,614,162 alleles (0.0097%); highest among the groups gnomAD compares: South Asian, 0.11%; no homozygotes.

Submissions (2):

Ambry Genetics
Classification: Uncertain significance for Inborn genetic diseases. Last evaluated: 2025-11-12. Review status: criteria provided, single submitter. Criteria: Ambry Variant Classification Scheme 2023. Collection method: clinical testing. Allele origin: germline.

Labcorp Genetics (formerly Invitae), Labcorp
Classification: Uncertain significance. Last evaluated: 2022-09-19. Review status: criteria provided, single submitter. Criteria: Invitae Variant Classification Sherloc (09022015). Collection method: clinical testing. Allele origin: germline.
Comment: This sequence change replaces proline, which is neutral and non-polar, with leucine, which is neutral and non-polar, at codon 3243 of the DNAH9 protein (p.Pro3243Leu). This variant is present in population databases (rs532239091, gnomAD 0.07%). This variant has not been reported in the literature in individuals affected with DNAH9-related conditions. ClinVar contains an entry for this variant (Variation ID: 1369444). Algorithms developed to predict the effect of missense changes on protein structure and function are either unavailable or do not agree on the potential impact of this missense change (SIFT: "Deleterious"; PolyPhen-2: "Probably Damaging"; Align-GVGD: "Class C0"). In summary, the available evidence is currently insufficient to determine the role of this variant in disease. Therefore, it has been classified as a Variant of Uncertain Significance.

NM_001372.4(DNAH9):c.9728C>T (p.Pro3243Leu)

Gene: DNAH9 (dynein axonemal heavy chain 9; plus strand). Cytogenetic location: 17p12.
Variant type: single nucleotide variant.
Coding change: c.9728C>T on transcript NM_001372.4 (MANE Select); coding-DNA position 9728, C replaced by T.
Protein change: p.Pro3243Leu; replaces proline 3243 with leucine.
Molecular consequence: missense variant.
Genome position (GRCh38, 1-based): chr17:11,854,223, C>T. VCF-style: chr17-11854223-C-T. GRCh37 (hg19) VCF-style: chr17-11757540-C-T.
Other names: c.9728C>T (NM_001372.3); short protein forms P3243L.
Identifiers: ClinVar variation 1369444 (VCV001369444.6), dbSNP rs532239091, ClinGen allele CA8397291.
Genomic context (GRCh38, chr17:11,854,223, plus strand): 5'-ACTCGCTAATAAACTTCAACAAAGAGAACATTCACGAGAACTGCCTCAAAGCCATCAGGC[C>T]GTATCTGCAAGACCCCGAGTTCAATCCTGAGTTTGTGGCCACCAAATCCTATGCGGCTGC-3'
Protein context (NP_001363.2, residues 3233-3253): IHENCLKAIR[Pro3243Leu]YLQDPEFNPE